The following is an entry in ClinVar:

NM_002024.6(FMR1):c.420-10A>T

Gene: FMR1 (fragile X messenger ribonucleoprotein 1; plus strand). Cytogenetic location: Xq27.3.
Variant type: single nucleotide variant.
Coding change: c.420-10A>T on transcript NM_002024.6 (MANE Select); 10 bases into the intron before coding-DNA position 420, A replaced by T.
Molecular consequence: intron variant.
Genome position (GRCh38, 1-based): chrX:147,929,938, A>T. VCF-style: chrX-147929938-A-T. GRCh37 (hg19) VCF-style: chrX-147011457-A-T.
Other names: NC_000023.10:g.147011457A>T; c.420-10A>T (NM_002024.5, NM_001185075.2, NM_001185076.2 and 2 more transcripts).
Identifiers: ClinVar variation 198141 (VCV000198141.9), dbSNP rs781827082, ClinGen allele CA246643.

ClinVar aggregate classification (germline): Conflicting classifications of pathogenicity. Review status: criteria provided, conflicting classifications (1 of 4 stars). 3 submissions from 3 submitters: Uncertain significance (1); Likely benign (1). 1 of the submissions does not count toward it. Last evaluated 2024-09-04.

Conditions:
FMR1-related disorder. Also called: FMR1-related condition.

Allele frequency attached by ClinVar (database versions not stated): gnomAD exomes 0.00017; gnomAD 0.00024 and 0.00027; ExAC 0.00026; 1000 Genomes Project 30x 0.00083; 1000 Genomes Project 0.00106.

Submissions (4):

Blueprint Genetics
Classification: Likely benign. Last evaluated: 2024-09-04. Review status: criteria provided, single submitter. Criteria: ACMG Guidelines, 2015. Collection method: clinical testing. Allele origin: germline.

Eurofins Ntd Llc (ga)
Classification: Uncertain significance. Last evaluated: 2014-05-28. Review status: criteria provided, single submitter. Criteria: EGL Classification Definitions 2015. Collection method: clinical testing. Allele origin: germline. Observed: 1 variant allele, 1 hemizygote.

PreventionGenetics, part of Exact Sciences
Classification: Likely benign for FMR1-related condition. Last evaluated: 2022-06-22. Review status: no assertion criteria provided. Collection method: clinical testing. Allele origin: germline. Not counted in ClinVar's aggregate classification.
Comment: This variant is classified as likely benign based on ACMG/AMP sequence variant interpretation guidelines (Richards et al. 2015 PMID: 25741868, with internal and published modifications).

Dr. Peter K. Rogan Lab, Western University
No classification provided (evidence only). Condition: Gastric cancer. Review status: no classification provided. Collection method: in vitro. Allele origin: not applicable. Functional consequence: retained intron. Not counted in ClinVar's aggregate classification.